The following is an entry in ClinVar:

ClinVar aggregate classification (germline): Uncertain significance. Review status: criteria provided, single submitter (1 of 4 stars). 2 submissions from 2 submitters: Uncertain significance (1). 1 of the submissions does not count toward it. Last evaluated 2026-01-11.

Conditions:
Atypical hemolytic-uremic syndrome with I factor anomaly. Also called: HEMOLYTIC UREMIC SYNDROME, ATYPICAL, SUSCEPTIBILITY TO, 3; AHUS, SUSCEPTIBILITY TO, 3. Identifiers: Orphanet 2134, MedGen C2752039, MONDO:0013041, OMIM 612923.

Allele frequency attached by ClinVar (database versions not stated): TOPMed below 0.00001; gnomAD exomes below 0.00001; gnomAD 0.00001.
gnomAD v4.1: 6 of 1,611,246 alleles (0.00037%); highest among the groups gnomAD compares: South Asian, 0.0011%; no homozygotes.

Submissions (2):

Labcorp Genetics (formerly Invitae), Labcorp
Classification: Uncertain significance. Last evaluated: 2026-01-11. Review status: criteria provided, single submitter. Criteria: Invitae Variant Classification Sherloc (09022015). Collection method: clinical testing. Allele origin: germline.
Comment: This sequence change replaces arginine, which is basic and polar, with cysteine, which is neutral and slightly polar, at codon 389 of the CFI protein (p.Arg389Cys). This variant is not present in population databases (gnomAD no frequency). This variant has not been reported in the literature in individuals affected with CFI-related conditions. ClinVar contains an entry for this variant (Variation ID: 635432). Invitae Evidence Modeling of protein sequence and biophysical properties (such as structural, functional, and spatial information, amino acid conservation, physicochemical variation, residue mobility, and thermodynamic stability) indicates that this missense variant is expected to disrupt CFI protein function with a positive predictive value of 80%. In summary, the available evidence is currently insufficient to determine the role of this variant in disease. Therefore, it has been classified as a Variant of Uncertain Significance.

Bioscientia Institut fuer Medizinische Diagnostik GmbH, Sonic Healthcare
Classification: Likely pathogenic for Atypical hemolytic-uremic syndrome with I factor anomaly. Last evaluated: 2018-09-28. Review status: no assertion criteria provided. Collection method: clinical testing. Allele origin: germline. Affected: yes. Not counted in ClinVar's aggregate classification.

NM_000204.5(CFI):c.1165C>T (p.Arg389Cys)

Gene: CFI (complement factor I; minus strand). Cytogenetic location: 4q25.
Variant type: single nucleotide variant.
Coding change: c.1165C>T on transcript NM_000204.5 (MANE Select); coding-DNA position 1165, C replaced by T.
Protein change: p.Arg389Cys; replaces arginine 389 with cysteine.
Molecular consequence: missense variant. On other transcripts: non-coding transcript variant (2).
Genome position (GRCh38, 1-based): chr4:109,746,486, G>A on the plus strand (C>T on the coding strand, the complement: CFI is on the minus strand). VCF-style: chr4-109746486-G-A. GRCh37 (hg19) VCF-style: chr4-110667642-G-A.
Other names: c.1189C>T, p.Arg397Cys (NM_001318057.2, NM_001375278.1); c.1144C>T, p.Arg382Cys (NM_001331035.2, NM_001375280.1, NM_001375282.1); c.1165C>T, p.Arg389Cys (NM_001375279.1, NM_001375281.1); c.1108C>T, p.Arg370Cys (NM_001375283.1); c.556C>T, p.Arg186Cys (NM_001375284.1); short protein forms R389C, R382C, R397C, R186C, R370C.
Identifiers: ClinVar variation 635432 (VCV000635432.5), dbSNP rs1292929833, ClinGen allele CA357857713.